The following is an entry in ClinVar:

ClinVar aggregate classification (germline): Conflicting classifications of pathogenicity. Review status: criteria provided, conflicting classifications (1 of 4 stars). 3 submissions from 3 submitters: Pathogenic (1); Likely pathogenic (1); Uncertain significance (1). Last evaluated 2026-02-02.

Conditions:
Multiple epiphyseal dysplasia type 1. Also called: COMP-Related Multiple Epiphyseal Dysplasia. Identifiers: Orphanet 93308, MedGen C1838280, MONDO:0007561, OMIM 132400.

Submissions (3):

Institute of Human Genetics, University of Leipzig Medical Center
Classification: Likely pathogenic for Multiple epiphyseal dysplasia type 1. Last evaluated: 2026-02-02. Review status: criteria provided, single submitter. Criteria: ACMG Guidelines, 2015. Collection method: clinical testing. Allele origin: unknown. Inheritance: Autosomal dominant inheritance. Affected: yes.
Comment: Criteria applied: PM5_STR,PM2,PS4_SUP,PP3

Labcorp Genetics (formerly Invitae), Labcorp
Classification: Uncertain significance. Last evaluated: 2025-02-21. Review status: criteria provided, single submitter. Criteria: Invitae Variant Classification Sherloc (09022015). Collection method: clinical testing. Allele origin: germline.
Comment: This sequence change replaces proline, which is neutral and non-polar, with serine, which is neutral and polar, at codon 296 of the COMP protein (p.Pro296Ser). This variant is not present in population databases (gnomAD no frequency). This variant has not been reported in the literature in individuals affected with COMP-related conditions. ClinVar contains an entry for this variant (Variation ID: 1683452). Invitae Evidence Modeling of protein sequence and biophysical properties (such as structural, functional, and spatial information, amino acid conservation, physicochemical variation, residue mobility, and thermodynamic stability) indicates that this missense variant is not expected to disrupt COMP protein function with a negative predictive value of 80%. This variant disrupts the p.Pro296 amino acid residue in COMP. Other variant(s) that disrupt this residue have been determined to be pathogenic (internal data). This suggests that this residue is clinically significant, and that variants that disrupt this residue are likely to be disease-causing. In summary, the available evidence is currently insufficient to determine the role of this variant in disease. Therefore, it has been classified as a Variant of Uncertain Significance.

Laboratory of Inherited Metabolic Diseases, Research centre for medical genetics
Classification: Pathogenic for Multiple epiphyseal dysplasia type 1. Last evaluated: 2022-04-01. Review status: criteria provided, single submitter. Criteria: ACMG Guidelines, 2015. Collection method: clinical testing. Allele origin: de novo. Affected: yes. Observed: 1 variant allele.

NM_000095.3(COMP):c.886C>T (p.Pro296Ser)

Gene: COMP (cartilage oligomeric matrix protein; minus strand). Cytogenetic location: 19p13.11.
Variant type: single nucleotide variant.
Coding change: c.886C>T on transcript NM_000095.3 (MANE Select); coding-DNA position 886, C replaced by T.
Protein change: p.Pro296Ser; replaces proline 296 with serine.
Molecular consequence: missense variant.
Genome position (GRCh38, 1-based): chr19:18,788,301, G>A on the plus strand (C>T on the coding strand, the complement: COMP is on the minus strand). VCF-style: chr19-18788301-G-A. GRCh37 (hg19) VCF-style: chr19-18899110-G-A.
Other names: short protein forms P296S.
Identifiers: ClinVar variation 1683452 (VCV001683452.5), dbSNP rs749583854, ClinGen allele CA404891667.
Genomic context (GRCh38, chr19:18,788,301, plus strand): 5'-CATCCGGATCGCAGGCGTCTCCGATGCCATCGCGGTCCACATCCTCCTGCCCTGAGTTGG[G>A]CACAGTCACGCAGTTGTCCTGGGGGCGGGCACAGAAGGTGTGAGGGGCGCGGTCATGAAG-3'
Protein context (NP_000086.2, residues 286-306): QCRKDNCVTV[Pro296Ser]NSGQEDVDRD